The following is an entry in ClinVar:

ClinVar aggregate classification (germline): Pathogenic (3 of 4 stars; one submission).

Conditions:
Glanzmann thrombasthenia. Also called: BLEEDING DISORDER, PLATELET-TYPE, 2; THROMBASTHENIA OF GLANZMANN AND NAEGELI; PLATELET GLYCOPROTEIN IIb-IIIa DEFICIENCY; Glanzmann's thrombasthenia; Thrombasthenia. Identifiers: Orphanet 849, MedGen C0040015, MONDO:0100326.

Submission:

ClinGen Platelet Disorders Variant Curation Expert Panel, ClinGen
Classification: Pathogenic for Glanzmann thrombasthenia. Last evaluated: 2020-07-02. Review status: reviewed by expert panel. Criteria: ClinGen Platelet ACMG Specifications v2. Collection method: curation. Allele origin: germline. Inheritance: Autosomal recessive inheritance.
Comment: The c.224del (p.Cys75Leufs) frameshift variant has been reported homozygous in at least 1 GT proband (PMID: 21113249). It is predicted to undergo NMD due to creation of a premature stop codon in exon 12. The overall allele frequency in gnomAD is extremely low at 0.000003995, with a MAF of 0.000008850 in the non-Finnish European population. In summary, this variant meets criteria to be classified as pathogenic for GT. GT-specific criteria applied: PVS1, PM2_Supporting, and PM3_Supporting.

Literature cited by the submitters: PubMed 21113249.

NM_000212.3(ITGB3):c.1550del (p.Gly517fs)

Gene: ITGB3 (integrin subunit beta 3; plus strand). Cytogenetic location: 17q21.32.
Variant type: Deletion.
Coding change: c.1550del on transcript NM_000212.3 (MANE Select); coding-DNA position 1550, one base deleted (G; older notation c.1550delG).
Protein change: p.Gly517fs; shifts the reading frame from glycine 517.
Molecular consequence: frameshift variant.
Genome position (GRCh38, 1-based): chr17:47,292,428, G deleted; the last of 3 consecutive G bases (chr17:47,292,426-47,292,428); deleting any one gives the same sequence. VCF-style (leftmost placement, unchanged base first): chr17-47292425-AG-A. GRCh37 (hg19) VCF-style: chr17-45369791-AG-A.
Other names: short protein forms G517fs.
Identifiers: ClinVar variation 953059 (VCV000953059.2), dbSNP rs1393664515, ClinGen allele CA626684864.